The following is an entry in ClinVar:

ClinVar aggregate classification (germline): Likely pathogenic (1 of 4 stars; one submission).

Conditions:
Niemann-Pick disease, type C1. Also called: NEUROVISCERAL STORAGE DISEASE WITH VERTICAL SUPRANUCLEAR OPHTHALMOPLEGIA; NIEMANN-PICK DISEASE WITH CHOLESTEROL ESTERIFICATION BLOCK; NIEMANN-PICK DISEASE WITHOUT SPHINGOMYELINASE DEFICIENCY; NIEMANN-PICK DISEASE, CHRONIC NEURONOPATHIC FORM; NIEMANN-PICK DISEASE, VARIANT TYPE C1. Identifiers: Orphanet 646, MedGen C3179455, MONDO:0009757, OMIM 257220.

Submission:

Foundation for Research in Genetics and Endocrinology, FRIGE's Institute of Human Genetics
Classification: Likely pathogenic for Niemann-Pick disease, type C1. Last evaluated: 2020-03-13. Review status: criteria provided, single submitter. Criteria: ACMG Guidelines, 2015. Collection method: clinical testing. Allele origin: germline. Inheritance: Autosomal recessive inheritance. Affected: yes. Observed: 1 variant allele, 1 homozygote.
Comment: A homozugous variant c.2533del (p.Val845PhefsTer9) was detected in exon 17 of the NPC1 gene. The variant is predicted to result in premature protein truncation due to a frameshift. In summary, the variant meets our criteria to be classified as likely pathogenic.

NM_000271.5(NPC1):c.2533del (p.Val845fs)

Gene: NPC1 (NPC intracellular cholesterol transporter 1; minus strand). Cytogenetic location: 18q11.2.
Variant type: Deletion.
Coding change: c.2533del on transcript NM_000271.5 (MANE Select); coding-DNA position 2533, one base deleted (G; older notation c.2533delG).
Protein change: p.Val845fs; shifts the reading frame from valine 845.
Molecular consequence: frameshift variant.
Genome position (GRCh38, 1-based): chr18:23,540,519, C deleted on the plus strand (G on the coding strand, the reverse complement: NPC1 is on the minus strand). VCF-style (leftmost placement, unchanged base first): chr18-23540518-AC-A. GRCh37 (hg19) VCF-style: chr18-21120482-AC-A.
Other names: p.Val845PhefsTer9; short protein forms V845fs.
Identifiers: ClinVar variation 4880238 (VCV004880238.1).
Genomic context (GRCh38, chr18:23,540,518, plus strand): 5'-GAAAGAGACTGATCCAATCCAATATCTACTTTGTTCAGGACTGCGATGCTGAATGACAGA[AC>A]ACCCACAAATATTGCTATCTGGAACAACAAATGAATCATAAGACAGAGACTGCTTAGTAA-3'